The following is an entry in ClinVar:

NM_001042492.3(NF1):c.4580A>T (p.Asp1527Val)

Gene: NF1 (neurofibromin 1; plus strand). Cytogenetic location: 17q11.2.
Variant type: single nucleotide variant.
Coding change: c.4580A>T on transcript NM_001042492.3 (MANE Select); coding-DNA position 4580, A replaced by T.
Protein change: p.Asp1527Val; replaces aspartic acid 1527 with valine.
Molecular consequence: missense variant.
Genome position (GRCh38, 1-based): chr17:31,261,713, A>T. VCF-style: chr17-31261713-A-T. GRCh37 (hg19) VCF-style: chr17-29588731-A-T.
Other names: c.4517A>T, p.Asp1506Val (NM_000267.4); short protein forms D1506V, D1527V.
Identifiers: ClinVar variation 2452244 (VCV002452244.5), dbSNP rs1269451510, ClinGen allele CA399000091.

ClinVar aggregate classification (germline): Uncertain significance. Review status: criteria provided, multiple submitters, no conflicts (2 of 4 stars). 2 submissions from 2 submitters: Uncertain significance (2). Last evaluated 2025-10-27.

Conditions:
Neurofibromatosis, type 1 (NF1). Also called: Peripheral type neurofibromatosis; Neurofibromatosis, type I; VON RECKLINGHAUSEN DISEASE; NEUROFIBROMATOSIS, TYPE I, SOMATIC. Identifiers: Orphanet 636, MedGen C0027831, MONDO:0018975, OMIM 162200. Disease mechanism: loss of function.
Cardiovascular phenotype. Identifiers: MedGen CN230736.
Hereditary cancer-predisposing syndrome. Also called: Hereditary neoplastic syndrome; Tumor predisposition; Neoplastic Syndromes, Hereditary; Hereditary Cancer Syndrome. Identifiers: Orphanet 140162, MedGen C0027672, MeSH D009386, MONDO:0015356.

Allele frequency attached by ClinVar (database versions not stated): gnomAD exomes below 0.00001; TOPMed below 0.00001; gnomAD 0.00001.
gnomAD v4.1: 3 of 1,611,982 alleles (0.00019%); highest among the groups gnomAD compares: Non-Finnish European, 0.00025%; no homozygotes.

Submissions (2):

Labcorp Genetics (formerly Invitae), Labcorp
Classification: Uncertain significance for Neurofibromatosis, type 1. Last evaluated: 2025-10-27. Review status: criteria provided, single submitter. Criteria: Invitae Variant Classification Sherloc (09022015). Collection method: clinical testing. Allele origin: germline.
Comment: This sequence change replaces aspartic acid, which is acidic and polar, with valine, which is neutral and non-polar, at codon 1506 of the NF1 protein (p.Asp1506Val). This variant is not present in population databases (gnomAD no frequency). This variant has not been reported in the literature in individuals affected with NF1-related conditions. ClinVar contains an entry for this variant (Variation ID: 2452244). An algorithm developed to predict the effect of missense changes on protein structure and function (PolyPhen-2) suggests that this variant is likely to be disruptive. In summary, the available evidence is currently insufficient to determine the role of this variant in disease. Therefore, it has been classified as a Variant of Uncertain Significance.

Ambry Genetics
Classification: Uncertain significance for Cardiovascular phenotype; Hereditary cancer-predisposing syndrome. Last evaluated: 2022-12-15. Review status: criteria provided, single submitter. Criteria: Ambry Variant Classification Scheme 2023. Collection method: clinical testing. Allele origin: germline.
Comment: The p.D1506V variant (also known as c.4517A>T), located in coding exon 34 of the NF1 gene, results from an A to T substitution at nucleotide position 4517. The aspartic acid at codon 1506 is replaced by valine, an amino acid with highly dissimilar properties. This amino acid position is conserved. In addition, this alteration is predicted to be deleterious by in silico analysis. Since supporting evidence is limited at this time, the clinical significance of this alteration remains unclear.